The following is an entry in ClinVar:

ClinVar aggregate classification (germline): Likely pathogenic (1 of 4 stars; one submission).

Conditions:
Mandibulofacial dysostosis-microcephaly syndrome (MFDGA). Also called: Growth and mental retardation, mandibulofacial dysostosis, microcephaly, and cleft palate; Mandibulofacial dysostosis, Guion-Almeida type. Identifiers: Orphanet 79113, MedGen C1864652, MONDO:0012516, OMIM 610536.

Submission:

Molecular Genetics Department, Kulakov National Medical Research Center for Obstetrics, Gynecology and Perinatology
Classification: Likely pathogenic for Mandibulofacial dysostosis-microcephaly syndrome. Review status: criteria provided, single submitter. Criteria: ACMG Guidelines, 2015. Collection method: clinical testing. Allele origin: germline. Affected: yes.
Comment: A previously undescribed nucleotide variant creates a frameshift p.Glu240AlafsTer21 in the EFTUD2 gene. Loss-of-function variants are reported in patients with Mandibulofacial dysostosis, Guion-Almeida type, 610536. The variant is not present in population database (gnomAD no frequency). In summary, the currently available evidence indicates that the variant is pathogenic, but additional data are needed to prove that conclusively. Therefore, this variant has been classified as likely pathogenic.

NM_004247.4(EFTUD2):c.719_720del (p.Glu240fs)

Gene: EFTUD2 (elongation factor Tu GTP binding domain containing 2; minus strand). Cytogenetic location: 17q21.31.
Variant type: Microsatellite.
Coding change: c.719_720del on transcript NM_004247.4 (MANE Select); coding-DNA positions 719 to 720, 2 bases deleted (AG; older notation c.719_720delAG).
Protein change: p.Glu240fs; shifts the reading frame from glutamic acid 240.
Molecular consequence: frameshift variant.
Genome position (GRCh38, 1-based): chr17:44,876,083-44,876,084, CT deleted on the plus strand (AG on the coding strand, the reverse complement: EFTUD2 is on the minus strand); deleting any 2 consecutive bases within chr17:44,876,083-44,876,086 gives the same sequence; the c. name uses the placement nearest the transcript's 3' end. VCF-style (leftmost placement, unchanged base first): chr17-44876082-GCT-G. GRCh37 (hg19) VCF-style: chr17-42953450-GCT-G.
Other names: c.614_615del, p.Glu205fs (NM_001142605.2); c.719_720del, p.Glu240fs (NM_001258353.2); c.689_690del, p.Glu230fs (NM_001258354.2); short protein forms E205fs, E230fs, E240fs.
Identifiers: ClinVar variation 3062237 (VCV003062237.1), dbSNP rs2508808547, ClinGen allele CA2740093770.